The following is an entry in ClinVar:

NM_003482.4(KMT2D):c.13001C>T (p.Ala4334Val)

Gene: KMT2D (lysine methyltransferase 2D; minus strand). Cytogenetic location: 12q13.12.
Variant type: single nucleotide variant.
Coding change: c.13001C>T on transcript NM_003482.4 (MANE Select); coding-DNA position 13001, C replaced by T.
Protein change: p.Ala4334Val; replaces alanine 4334 with valine.
Molecular consequence: missense variant.
Genome position (GRCh38, 1-based): chr12:49,031,704, G>A on the plus strand (C>T on the coding strand, the complement: KMT2D is on the minus strand). VCF-style: chr12-49031704-G-A. GRCh37 (hg19) VCF-style: chr12-49425487-G-A.
Other names: short protein forms A4334V.
Identifiers: ClinVar variation 158727 (VCV000158727.18), dbSNP rs183702050, ClinGen allele CA271587.
Genomic context (GRCh38, chr12:49,031,704, plus strand): 5'-GGCGGCTCCAAGGTTGGCCCCTGAGGTTTGGGGGTCCCTGGATGGGTGGGAGGGAGCTGG[G>A]CCTCAGTGGGAAGCTGGGAGCTGGGGGAAGGTAATTGTGAAGGTCTCTTTGGCTCTTGAG-3'
Protein context (NP_003473.3, residues 4324-4344): PSPSSQLPTE[Ala4334Val]QLPPTHPGTP

ClinVar aggregate classification (germline): Benign/Likely benign. Review status: criteria provided, multiple submitters, no conflicts (2 of 4 stars). 5 submissions from 5 submitters: Benign (2); Likely benign (2). 1 of the submissions does not count toward it. Last evaluated 2025-12-13.

Conditions:
KMT2D-related disorder. Also called: KMT2D-Related Disorders.
Kabuki syndrome. Also called: NIIKAWA-KUROKI SYNDROME; Kabuki make-up syndrome. Identifiers: Orphanet 2322, MedGen C0796004, MONDO:0016512.

Allele frequency attached by ClinVar (database versions not stated): gnomAD exomes 0.00003 and 0.00005; ExAC 0.00009; 1000 Genomes Project 30x 0.00016; 1000 Genomes Project 0.00020; ESP Exome Variant Server 0.00025; gnomAD 0.00026 and 0.00028; TOPMed 0.00030.

Submissions (5):

Labcorp Genetics (formerly Invitae), Labcorp
Classification: Benign for Kabuki syndrome. Last evaluated: 2025-12-13. Review status: criteria provided, single submitter. Criteria: Invitae Variant Classification Sherloc (09022015). Collection method: clinical testing. Allele origin: germline.

Blueprint Genetics
Classification: Likely benign. Last evaluated: 2022-07-14. Review status: criteria provided, single submitter. Criteria: ACMG Guidelines, 2015. Collection method: clinical testing. Allele origin: germline.

GeneDx
Classification: Benign. Last evaluated: 2020-06-29. Review status: criteria provided, single submitter. Criteria: GeneDx Variant Classification Process June 2021. Collection method: clinical testing. Allele origin: germline. Affected: yes.
Comment: This variant is associated with the following publications: (PMID: 30459467)

Genetic Services Laboratory, University of Chicago
Classification: Likely benign. Last evaluated: 2018-12-13. Review status: criteria provided, single submitter. Criteria: ACMG Guidelines, 2015. Collection method: clinical testing. Allele origin: germline. Affected: no.

PreventionGenetics, part of Exact Sciences
Classification: Likely benign for KMT2D-related condition. Last evaluated: 2022-08-21. Review status: no assertion criteria provided. Collection method: clinical testing. Allele origin: germline. Not counted in ClinVar's aggregate classification.
Comment: This variant is classified as likely benign based on ACMG/AMP sequence variant interpretation guidelines (Richards et al. 2015 PMID: 25741868, with internal and published modifications).